The following is an entry in ClinVar:

ClinVar aggregate classification (germline): Uncertain significance (1 of 4 stars; one submission).

gnomAD v4.1: 1 of 1,613,990 alleles (0.000062%); no homozygotes.

Submission:

Labcorp Genetics (formerly Invitae), Labcorp
Classification: Uncertain significance. Last evaluated: 2025-11-18. Review status: criteria provided, single submitter. Criteria: Invitae Variant Classification Sherloc (09022015). Collection method: clinical testing. Allele origin: germline.
Comment: This sequence change replaces tyrosine, which is neutral and polar, with cysteine, which is neutral and slightly polar, at codon 280 of the SMAD2 protein (p.Tyr280Cys). This variant is present in population databases (rs779820262, gnomAD 0.004%). This variant has not been reported in the literature in individuals affected with SMAD2-related conditions. Invitae Evidence Modeling of protein sequence and biophysical properties (such as structural, functional, and spatial information, amino acid conservation, physicochemical variation, residue mobility, and thermodynamic stability) indicates that this missense variant is expected to disrupt SMAD2 protein function with a positive predictive value of 80%. In summary, the available evidence is currently insufficient to determine the role of this variant in disease. Therefore, it has been classified as a Variant of Uncertain Significance.

NM_005901.6(SMAD2):c.839A>G (p.Tyr280Cys)

Gene: SMAD2 (SMAD family member 2; minus strand). Cytogenetic location: 18q21.1.
Variant type: single nucleotide variant.
Coding change: c.839A>G on transcript NM_005901.6 (MANE Select); coding-DNA position 839, A replaced by G.
Protein change: p.Tyr280Cys; replaces tyrosine 280 with cysteine.
Molecular consequence: missense variant.
Genome position (GRCh38, 1-based): chr18:47,848,633, T>C on the plus strand (A>G on the coding strand, the complement: SMAD2 is on the minus strand). VCF-style: chr18-47848633-T-C. GRCh37 (hg19) VCF-style: chr18-45375004-T-C.
Other names: c.839A>G, p.Tyr280Cys (NM_001003652.4); c.749A>G, p.Tyr250Cys (NM_001135937.3); short protein forms Y250C, Y280C.
Identifiers: ClinVar variation 4744358 (VCV004744358.1).
Genomic context (GRCh38, chr18:47,848,633, plus strand): 5'-TCTACAGTGAGTGAGGGCTGTGATGCATGGAAGGTTTCTCCAACCCTCTGATTTAATTCA[T>C]AATATGCTATCGAACACCAAAATGCAGGTTCTGAGTAAGTAACTGGCTGTAAATCTGAAA-3'
Protein context (NP_005892.1, residues 270-290): EPAFWCSIAY[Tyr280Cys]ELNQRVGETF